The following is an entry in ClinVar:

NM_033100.4(CDHR1):c.1321-1G>A

Gene: CDHR1 (cadherin related family member 1; plus strand). Cytogenetic location: 10q23.1.
Variant type: single nucleotide variant.
Coding change: c.1321-1G>A on transcript NM_033100.4 (MANE Select); the canonical splice acceptor site of the intron before coding-DNA position 1321, G replaced by A.
Molecular consequence: splice acceptor variant.
Genome position (GRCh38, 1-based): chr10:84,211,000, G>A. VCF-style: chr10-84211000-G-A. GRCh37 (hg19) VCF-style: chr10-85970756-G-A.
Other names: c.1321-1G>A (NM_001171971.3).
Identifiers: ClinVar variation 4765675 (VCV004765675.2).

ClinVar aggregate classification (germline): Likely pathogenic. Review status: criteria provided, multiple submitters, no conflicts (2 of 4 stars). 2 submissions from 2 submitters: Likely pathogenic (2). Last evaluated 2025-11-19.

Conditions:
CDHR1-related disorders.

gnomAD v4.1: 5 of 1,614,102 alleles (0.00031%); highest among the groups gnomAD compares: Non-Finnish European, 0.00034%; no homozygotes.

Submissions (2):

Labcorp Genetics (formerly Invitae), Labcorp
Classification: Likely pathogenic. Last evaluated: 2025-11-19. Review status: criteria provided, single submitter. Criteria: Invitae Variant Classification Sherloc (09022015). Collection method: clinical testing. Allele origin: germline.
Comment: This sequence change affects an acceptor splice site in intron 12 of the CDHR1 gene. It is expected to disrupt RNA splicing. Variants that disrupt the donor or acceptor splice site typically lead to a loss of protein function (PMID: 16199547), and loss-of-function variants in CDHR1 are known to be pathogenic (PMID: 23044944, 23591405, 26103963, 26261414). This variant is not present in population databases (gnomAD no frequency). This variant has not been reported in the literature in individuals affected with CDHR1-related conditions. Algorithms developed to predict the effect of sequence changes on RNA splicing suggest that this variant may disrupt the consensus splice site. In summary, the currently available evidence indicates that the variant is pathogenic, but additional data are needed to prove that conclusively. Therefore, this variant has been classified as Likely Pathogenic.

Blueprint Genetics
Classification: Likely pathogenic for CDHR1-related disorders. Last evaluated: 2020-12-17. Review status: criteria provided, single submitter. Criteria: ACMG Guidelines, 2015. Collection method: clinical testing. Allele origin: germline. Affected: yes. Observed: 3 variant alleles.

Literature cited by the submitters: PubMed 16199547 (cited by Labcorp Genetics (formerly Invitae), Labcorp); PubMed 23044944 (cited by Labcorp Genetics (formerly Invitae), Labcorp); PubMed 23591405 (cited by Labcorp Genetics (formerly Invitae), Labcorp); PubMed 26103963 (cited by Labcorp Genetics (formerly Invitae), Labcorp); PubMed 26261414 (cited by Labcorp Genetics (formerly Invitae), Labcorp).